The following is an entry in ClinVar:

NM_020207.7(ERCC6L2):c.2969C>G (p.Ser990Cys)

Gene: ERCC6L2 (ERCC excision repair 6 like 2; plus strand). Cytogenetic location: 9q22.32.
Variant type: single nucleotide variant.
Coding change: c.2969C>G on transcript NM_020207.7 (MANE Select); coding-DNA position 2969, C replaced by G.
Protein change: p.Ser990Cys; replaces serine 990 with cysteine.
Molecular consequence: missense variant. On other transcripts: non-coding transcript variant (1).
Genome position (GRCh38, 1-based): chr9:95,972,720, C>G. VCF-style: chr9-95972720-C-G. GRCh37 (hg19) VCF-style: chr9-98735002-C-G.
Other names: c.2969C>G, p.Ser990Cys (NM_001375291.1, NM_001375292.1, NM_001375293.1 and 1 more transcripts); short protein forms S990C.
Identifiers: ClinVar variation 1930676 (VCV001930676.5), dbSNP rs763410886, ClinGen allele CA5139847.

ClinVar aggregate classification (germline): Uncertain significance (1 of 4 stars; one submission).

Allele frequency attached by ClinVar (database versions not stated): TOPMed below 0.00001; gnomAD exomes 0.00001; ExAC 0.00013.
gnomAD v4.1: 11 of 1,302,380 alleles (0.00084%); highest among the groups gnomAD compares: South Asian, 0.014%; no homozygotes.

Submission:

Labcorp Genetics (formerly Invitae), Labcorp
Classification: Uncertain significance. Last evaluated: 2022-05-20. Review status: criteria provided, single submitter. Criteria: Invitae Variant Classification Sherloc (09022015). Collection method: clinical testing. Allele origin: germline.
Comment: In summary, the available evidence is currently insufficient to determine the role of this variant in disease. Therefore, it has been classified as a Variant of Uncertain Significance. Algorithms developed to predict the effect of missense changes on protein structure and function are either unavailable or do not agree on the potential impact of this missense change (SIFT: "Tolerated"; PolyPhen-2: "Not Available"; Align-GVGD: "Class C0"). This variant has not been reported in the literature in individuals affected with ERCC6L2-related conditions. This variant is present in population databases (rs763410886, gnomAD 0.009%). This sequence change replaces serine, which is neutral and polar, with cysteine, which is neutral and slightly polar, at codon 1001 of the ERCC6L2 protein (p.Ser1001Cys).